The following is an entry in ClinVar:

ClinVar aggregate classification (germline): Benign (1 of 4 stars; one submission).

Allele frequency attached by ClinVar (database versions not stated): gnomAD 0.00006.
gnomAD v4.1: 29 of 1,396,508 alleles (0.0021%); highest among the groups gnomAD compares: East Asian, 0.08%; no homozygotes.

Submission:

CeGaT Center for Human Genetics Tuebingen
Classification: Benign. Last evaluated: 2022-11-01. Review status: criteria provided, single submitter. Criteria: CeGaT Center For Human Genetics Tuebingen Variant Classification Criteria Version 2. Collection method: clinical testing. Allele origin: germline. Affected: yes. Observed: 1 variant allele.
Comment: FOXL2: BS1, BS2

NM_023067.4(FOXL2):c.720C>A (p.Gly240=)

Gene: FOXL2 (forkhead box L2; minus strand). Cytogenetic location: 3q22.3.
Variant type: single nucleotide variant.
Coding change: c.720C>A on transcript NM_023067.4 (MANE Select); coding-DNA position 720, C replaced by A.
Protein change: p.Gly240=; no amino-acid change (glycine 240 retained).
Molecular consequence: synonymous variant.
Genome position (GRCh38, 1-based): chr3:138,946,003, G>T on the plus strand (C>A on the coding strand, the complement: FOXL2 is on the minus strand). VCF-style: chr3-138946003-G-T. GRCh37 (hg19) VCF-style: chr3-138664845-G-T.
Identifiers: ClinVar variation 2654194 (VCV002654194.24), dbSNP rs759132275, ClinGen allele CA2639734.
Genomic context (GRCh38, chr3:138,946,003, plus strand): 5'-GCGTGTGTACGGCCCGTACGAGGCGGCCGGGCCCGCCAGCCCCTTGACCACAGCGGCCGC[G>T]CCAGGGCTACCGGGGCCCGCGGCTGCAGCCGCAGCTGCTGCAGCCGCTGCGGCTGCCGCC-3'
Protein context (NP_075555.1, residues 230-250): AAAAAGPGSP[Gly240=]AAAVVKGLAG